The following is an entry in ClinVar:

NM_005188.4(CBL):c.80G>A (p.Gly27Glu)

Genes: CBL (Cbl proto-oncogene; plus strand), LOC130006895 (ATAC-STARR-seq lymphoblastoid silent region 3975; plus strand). Cytogenetic location: 11q23.3.
Variant type: single nucleotide variant.
Coding change: c.80G>A on transcript NM_005188.4 (MANE Select); coding-DNA position 80, G replaced by A.
Protein change: p.Gly27Glu; replaces glycine 27 with glutamic acid.
Molecular consequence: missense variant.
Genome position (GRCh38, 1-based): chr11:119,206,497, G>A. VCF-style: chr11-119206497-G-A. GRCh37 (hg19) VCF-style: chr11-119077207-G-A.
Other names: short protein forms G27E.
Identifiers: ClinVar variation 3996043 (VCV003996043.1).

ClinVar aggregate classification (germline): Uncertain significance (1 of 4 stars; one submission).

Conditions:
Cardiovascular phenotype. Identifiers: MedGen CN230736.

Submission:

Ambry Genetics
Classification: Uncertain significance for Cardiovascular phenotype. Last evaluated: 2025-05-05. Review status: criteria provided, single submitter. Criteria: Ambry Variant Classification Scheme 2023. Collection method: clinical testing. Allele origin: germline.
Comment: The p.G27E variant (also known as c.80G>A), located in coding exon 1 of the CBL gene, results from a G to A substitution at nucleotide position 80. The glycine at codon 27 is replaced by glutamic acid, an amino acid with similar properties. This amino acid position is conserved. In addition, the in silico prediction for this alteration is inconclusive. Based on the available evidence, the clinical significance of this variant remains unclear.